The following is an entry in ClinVar:

ClinVar aggregate classification (germline): Uncertain significance (1 of 4 stars; one submission).

Conditions:
Symmetrical dyschromatosis of extremities (DSH). Also called: Dyschromatosis symmetrica hereditaria; RETICULATE ACROPIGMENTATION OF DOHI; DYSCHROMATOSIS SYMMETRICA HEREDITARIA 1; SYMMETRIC DYSCHROMATOSIS OF THE EXTREMITIES. Identifiers: Orphanet 41, MedGen C0406775, MONDO:0007483, OMIM 127400.
Aicardi-Goutieres syndrome 6 (AGS6). Identifiers: Orphanet 51, MedGen C3539013, MONDO:0014007, OMIM 615010.

Allele frequency attached by ClinVar (database versions not stated): gnomAD exomes below 0.00001 and 0.00001; ExAC 0.00001.
gnomAD v4.1: 21 of 1,614,186 alleles (0.0013%); highest among the groups gnomAD compares: Non-Finnish European, 0.0018%; no homozygotes.

Submission:

Labcorp Genetics (formerly Invitae), Labcorp
Classification: Uncertain significance for Aicardi-Goutieres syndrome 6; Symmetrical dyschromatosis of extremities. Last evaluated: 2026-01-07. Review status: criteria provided, single submitter. Criteria: Invitae Variant Classification Sherloc (09022015). Collection method: clinical testing. Allele origin: germline.
Comment: This sequence change replaces methionine, which is neutral and non-polar, with valine, which is neutral and non-polar, at codon 697 of the ADAR protein (p.Met697Val). This variant is present in population databases (rs754593004, gnomAD 0.0009%). This variant has not been reported in the literature in individuals affected with ADAR-related conditions. ClinVar contains an entry for this variant (Variation ID: 1037612). Invitae Evidence Modeling of protein sequence and biophysical properties (such as structural, functional, and spatial information, amino acid conservation, physicochemical variation, residue mobility, and thermodynamic stability) indicates that this missense variant is not expected to disrupt ADAR protein function with a negative predictive value of 80%. In summary, the available evidence is currently insufficient to determine the role of this variant in disease. Therefore, it has been classified as a Variant of Uncertain Significance.

NM_001111.5(ADAR):c.2089A>G (p.Met697Val)

Gene: ADAR (adenosine deaminase RNA specific; minus strand). Cytogenetic location: 1q21.3.
Variant type: single nucleotide variant.
Coding change: c.2089A>G on transcript NM_001111.5 (MANE Select); coding-DNA position 2089, A replaced by G.
Protein change: p.Met697Val; replaces methionine 697 with valine.
Molecular consequence: missense variant. On other transcripts: intron variant (1).
Genome position (GRCh38, 1-based): chr1:154,596,986, T>C on the plus strand (A>G on the coding strand, the complement: ADAR is on the minus strand). VCF-style: chr1-154596986-T-C. GRCh37 (hg19) VCF-style: chr1-154569462-T-C.
Other names: c.1204A>G, p.Met402Val (NM_001025107.3, NM_001193495.2, NM_001365046.1 and 3 more transcripts); c.2116A>G, p.Met706Val (NM_001365045.1); c.2089A>G, p.Met697Val (NM_015840.4); c.2080-48A>G (NM_015841.4); short protein forms M402V, M706V, M697V.
Identifiers: ClinVar variation 1037612 (VCV001037612.8), dbSNP rs754593004, ClinGen allele CA1131365.